The following is an entry in ClinVar:

NM_018006.5(TRMU):c.680G>C (p.Arg227Thr)

Gene: TRMU (tRNA mitochondrial 2-thiouridylase; plus strand). Cytogenetic location: 22q13.31.
Variant type: single nucleotide variant.
Coding change: c.680G>C on transcript NM_018006.5 (MANE Select); coding-DNA position 680, G replaced by C.
Protein change: p.Arg227Thr; replaces arginine 227 with threonine.
Molecular consequence: missense variant. On other transcripts: non-coding transcript variant (2).
Genome position (GRCh38, 1-based): chr22:46,352,149, G>C. VCF-style: chr22-46352149-G-C. GRCh37 (hg19) VCF-style: chr22-46748046-G-C.
Other names: c.338G>C, p.Arg113Thr (NM_001282782.2); c.260G>C, p.Arg87Thr (NM_001282783.2, NM_001282784.2); c.680G>C, p.Arg227Thr (NM_001282785.2); short protein forms R113T, R227T, R87T.
Identifiers: ClinVar variation 973463 (VCV000973463.16), dbSNP rs764622793, ClinGen allele CA10292164.
Genomic context (GRCh38, chr22:46,352,149, plus strand): 5'-CTCCTCTCACGGCTGCCGTCTTCTCATTTCAGAGCATGGGCATGTGTTTCATCGGGAAGA[G>C]GAATTTTGAACATTTCCTTCTTCAGGTGCGTGCTGCTCTTTGACACAAAGAGATGGGGCT-3'
Protein context (NP_060476.2, residues 217-237): ESMGMCFIGK[Arg227Thr]NFEHFLLQYL

ClinVar aggregate classification (germline): Pathogenic/Likely pathogenic. Review status: criteria provided, multiple submitters, no conflicts (2 of 4 stars). 7 submissions from 7 submitters: Pathogenic (3); Likely pathogenic (3). 1 of the submissions does not count toward it. Last evaluated 2025-08-21.

Conditions:
Aminoglycoside-induced deafness. Also called: MT-RNR1-Related Hearing Loss and Deafness; DEAFNESS, STREPTOMYCIN-INDUCED; STREPTOMYCIN OTOTOXICITY. Identifiers: Orphanet 168609, MedGen C1838854, MONDO:0010799, OMIM 580000.
Acute infantile liver failure due to synthesis defect of mtDNA-encoded proteins. Also called: LIVER FAILURE, INFANTILE, TRANSIENT; Liver failure acute infantile; TRMU Deficiency. Identifiers: Orphanet 217371, MedGen C3278664, MONDO:0013111, OMIM 613070.

Allele frequency attached by ClinVar (database versions not stated): TOPMed below 0.00001; ExAC 0.00001; gnomAD exomes 0.00002.
gnomAD v4.1: 4 of 1,614,016 alleles (0.00025%); highest among the groups gnomAD compares: Admixed American, 0.005%; no homozygotes.

Submissions (7):

Labcorp Genetics (formerly Invitae), Labcorp
Classification: Pathogenic. Last evaluated: 2025-08-21. Review status: criteria provided, single submitter. Criteria: Invitae Variant Classification Sherloc (09022015). Collection method: clinical testing. Allele origin: germline.
Comment: This sequence change replaces arginine, which is basic and polar, with threonine, which is neutral and polar, at codon 227 of the TRMU protein (p.Arg227Thr). This variant is present in population databases (rs764622793, gnomAD 0.01%). This missense change has been observed in individual(s) with transient infantile liver failure (PMID: 28973083, 30740308, 33365252). In at least one individual the data is consistent with being in trans (on the opposite chromosome) from a pathogenic variant. It has also been observed to segregate with disease in related individuals. ClinVar contains an entry for this variant (Variation ID: 973463). Invitae Evidence Modeling of protein sequence and biophysical properties (such as structural, functional, and spatial information, amino acid conservation, physicochemical variation, residue mobility, and thermodynamic stability) indicates that this missense variant is expected to disrupt TRMU protein function with a positive predictive value of 95%. For these reasons, this variant has been classified as Pathogenic.

Myriad Genetics, Inc.
Classification: Likely pathogenic for Acute infantile liver failure due to synthesis defect of mtDNA-encoded proteins. Last evaluated: 2025-06-27. Review status: criteria provided, single submitter. Criteria: Myriad Autosomal Dominant, Autosomal Recessive and X-Linked Classification Criteria (2023). Collection method: clinical testing. Allele origin: unknown.
Comment: NM_018006.4(TRMU):c.680G>C(R227T) is a missense variant classified as likely pathogenic in the context of acute liver failure, TRMU-related. R227T has been observed in cases with relevant disease (PMID: 28973083, 31683770, 33365252). Relevant functional assessments of this variant are available in the literature (PMID: 38113276). R227T has been observed in referenced population frequency databases. In summary, NM_018006.4(TRMU):c.680G>C(R227T) is a missense variant that has functional support for pathogenicity and has been observed more frequently in cases with the relevant disease than in healthy populations. Please note: this variant was assessed in the context of healthy population screening.

Women's Health and Genetics/Laboratory Corporation of America, LabCorp
Classification: Likely pathogenic for Acute infantile liver failure due to synthesis defect of mtDNA-encoded proteins. Last evaluated: 2025-06-11. Review status: criteria provided, single submitter. Criteria: LabCorp Variant Classification Summary - May 2015. Collection method: clinical testing. Allele origin: germline.
Comment: Variant summary: TRMU c.680G>C (p.Arg227Thr) results in a non-conservative amino acid change in the encoded protein sequence. Algorithms developed to predict the effect of missense changes on protein structure and function all suggest that this variant is likely to be disruptive. The variant allele was found at a frequency of 1.6e-05 in 251470 control chromosomes (gnomAD). c.680G>C has been reported in the literature as a biallelic genotype in individuals affected with Liver Failure Acute Infantile, Transient (example, Meng_2017 cited in Soler-Alfanso_2019, Sala-Coromina_2021). These data indicate that the variant may be associated with disease. To our knowledge, no experimental evidence demonstrating an impact on protein function has been reported. The following publications have been ascertained in the context of this evaluation (PMID: 38113276, 28973083, 33485800, 33365252, 30740308, 36305855). ClinVar contains an entry for this variant (Variation ID: 973463). Based on the evidence outlined above, the variant was classified as likely pathogenic.

Natera, Inc.
Classification: Pathogenic for Acute infantile liver failure due to synthesis defect of mtDNA-encoded proteins. Last evaluated: 2025-02-05. Review status: criteria provided, single submitter. Criteria: Natera Variant Classification Schema (03/2026). Collection method: clinical testing. Allele origin: germline.
Comment: The c.680G>C variant in TRMU is a missense variant predicted to cause substitution of arginine to threonine at amino acid 227. This variant is rare in the general population with a frequency below the threshold expected for the associated phenotype(s). This variant has been observed in one or more individuals affected with the associated recessive disease, as either homozygous or compound heterozygous with a second variant (PMID: 28973083, 31683770, 33365252, 37184518). Computational prediction algorithms indicate this variant is likely to affect gene or protein function. Given the available evidence, this variant is classified as Pathogenic.

Fulgent Genetics
Classification: Likely pathogenic for Aminoglycoside-induced deafness; Acute infantile liver failure due to synthesis defect of mtDNA-encoded proteins. Last evaluated: 2024-05-25. Review status: criteria provided, single submitter. Criteria: ACMG Guidelines, 2015. Collection method: clinical testing. Allele origin: germline.

Baylor Genetics
Classification: Pathogenic for Aminoglycoside-induced deafness. Last evaluated: 2023-07-23. Review status: criteria provided, single submitter. Criteria: ACMG Guidelines, 2015. Collection method: clinical testing. Allele origin: unknown.

Elsea Laboratory, Baylor College of Medicine
Classification: Likely pathogenic for Acute infantile liver failure due to synthesis defect of mtDNA-encoded proteins. Last evaluated: 2020-04-01. Review status: no assertion criteria provided. Collection method: clinical testing. Allele origin: maternal. Affected: yes. Not counted in ClinVar's aggregate classification.

Literature cited by the submitters: PubMed 28973083 (cited by 4 submitters); PubMed 30740308 (cited by Labcorp Genetics (formerly Invitae), Labcorp and Women's Health and Genetics/Laboratory Corporation of America, LabCorp); PubMed 33365252 (cited by 4 submitters); PubMed 31683770 (cited by Myriad Genetics, Inc. and Natera, Inc.); PubMed 38113276 (cited by Myriad Genetics, Inc. and Women's Health and Genetics/Laboratory Corporation of America, LabCorp); PubMed 33485800 (cited by Women's Health and Genetics/Laboratory Corporation of America, LabCorp); PubMed 36305855 (cited by Women's Health and Genetics/Laboratory Corporation of America, LabCorp); PubMed 37184518 (cited by Natera, Inc.).